The following is an entry in ClinVar:

NM_000535.7(PMS2):c.2339C>G (p.Pro780Arg)

Gene: PMS2 (PMS1 homolog 2, mismatch repair system component; minus strand). Cytogenetic location: 7p22.1.
Variant type: single nucleotide variant.
Coding change: c.2339C>G on transcript NM_000535.7 (MANE Select); coding-DNA position 2339, C replaced by G.
Protein change: p.Pro780Arg; replaces proline 780 with arginine.
Molecular consequence: missense variant. On other transcripts: non-coding transcript variant (1).
Genome position (GRCh38, 1-based): chr7:5,977,694, G>C on the plus strand (C>G on the coding strand, the complement: PMS2 is on the minus strand). VCF-style: chr7-5977694-G-C. GRCh37 (hg19) VCF-style: chr7-6017325-G-C.
Other names: c.1934C>G, p.Pro645Arg (NM_001322003.2, NM_001322004.2, NM_001322005.2); c.2183C>G, p.Pro728Arg (NM_001322006.2); c.2021C>G, p.Pro674Arg (NM_001322007.2, NM_001322008.2); c.1967C>G, p.Pro656Arg (NM_001322009.2); c.1778C>G, p.Pro593Arg (NM_001322010.2); c.1406C>G, p.Pro469Arg (NM_001322011.2, NM_001322012.2); c.1766C>G, p.Pro589Arg (NM_001322013.2); c.2372C>G, p.Pro791Arg (NM_001322014.2); and 2 more; short protein forms P645R, P656R, P674R, P728R, P791R, P593R, P780R, P469R.
Identifiers: ClinVar variation 821117 (VCV000821117.5), dbSNP rs779971866, ClinGen allele CA366735929.

ClinVar aggregate classification (germline): Uncertain significance. Review status: criteria provided, multiple submitters, no conflicts (2 of 4 stars). 2 submissions from 2 submitters: Uncertain significance (2). Last evaluated 2023-12-19.

Conditions:
Hereditary cancer-predisposing syndrome. Also called: Neoplastic Syndromes, Hereditary; Tumor predisposition; Hereditary Cancer Syndrome; Hereditary neoplastic syndrome. Identifiers: Orphanet 140162, MedGen C0027672, MeSH D009386, MONDO:0015356.

Submissions (2):

Quest Diagnostics Nichols Institute San Juan Capistrano
Classification: Uncertain significance. Last evaluated: 2023-12-19. Review status: criteria provided, single submitter. Criteria: Quest Diagnostics criteria. Collection method: clinical testing. Allele origin: unknown.
Comment: The PMS2 c.2339C>G (p.Pro780Arg) variant has not been reported in individuals with PMS2-related conditions in the published literature. It also has not been reported in large, multi-ethnic general populations (Genome Aggregation Database). Analysis of this variant using bioinformatics tools for the prediction of the effect of amino acid changes on protein structure and function yielded predictions that this variant is benign. Based on the available information, we are unable to determine the clinical significance of this variant.

Ambry Genetics
Classification: Uncertain significance for Hereditary cancer-predisposing syndrome. Last evaluated: 2019-12-17. Review status: criteria provided, single submitter. Criteria: Ambry Variant Classification Scheme 2023. Collection method: clinical testing. Allele origin: germline.
Comment: The p.P780R variant (also known as c.2339C>G), located in coding exon 14 of the PMS2 gene, results from a C to G substitution at nucleotide position 2339. The proline at codon 780 is replaced by arginine, an amino acid with dissimilar properties. This amino acid position is well conserved in available vertebrate species. In addition, the in silico prediction for this alteration is inconclusive. Since supporting evidence is limited at this time, the clinical significance of this alteration remains unclear.